The following is an entry in ClinVar:

ClinVar aggregate classification (germline): Likely benign. Review status: criteria provided, multiple submitters, no conflicts (2 of 4 stars). 2 submissions from 2 submitters: Likely benign (2). Last evaluated 2026-01-01.

Allele frequency attached by ClinVar (database versions not stated): ExAC 0.00002; gnomAD 0.00002; gnomAD exomes 0.00002; 1000 Genomes Project 30x 0.00016.
gnomAD v4.1: 28 of 1,610,752 alleles (0.0017%); highest among the groups gnomAD compares: South Asian, 0.012%; no homozygotes.

Submissions (2):

CeGaT Center for Human Genetics Tuebingen
Classification: Likely benign. Last evaluated: 2026-01-01. Review status: criteria provided, single submitter. Criteria: CeGaT Center For Human Genetics Tuebingen Variant Classification Criteria Version 2. Collection method: clinical testing. Allele origin: germline. Affected: yes. Observed: 1 variant allele.
Comment: ROBO2: BP4, BP7

Labcorp Genetics (formerly Invitae), Labcorp
Classification: Likely benign. Last evaluated: 2023-04-16. Review status: criteria provided, single submitter. Criteria: Invitae Variant Classification Sherloc (09022015). Collection method: clinical testing. Allele origin: germline.

NM_001395656.1(ROBO2):c.2700G>A (p.Thr900=)

Gene: ROBO2 (roundabout guidance receptor 2; plus strand). Cytogenetic location: 3p12.3.
Variant type: single nucleotide variant.
Coding change: c.2700G>A on transcript NM_001395656.1 (MANE Select); coding-DNA position 2700, G replaced by A.
Protein change: p.Thr900=; no amino-acid change (threonine 900 retained).
Molecular consequence: synonymous variant.
Genome position (GRCh38, 1-based): chr3:77,595,146, G>A. VCF-style: chr3-77595146-G-A. GRCh37 (hg19) VCF-style: chr3-77644297-G-A.
Other names: c.2736G>A, p.Thr912= (NM_001128929.3); c.2700G>A, p.Thr900= (NM_001290039.2, NM_001290040.2, NM_001378202.1); c.909G>A, p.Thr303= (NM_001290065.2); c.2748G>A, p.Thr916= (NM_001378190.1, NM_001378191.1, NM_001378195.1 and 4 more transcripts); c.2769G>A, p.Thr923= (NM_001378192.1, NM_001378194.1, NM_001378198.1 and 2 more transcripts); c.2688G>A, p.Thr896= (NM_001378193.1, NM_001378197.1, NM_002942.5); c.2757G>A, p.Thr919= (NM_001394212.1, NM_001394214.1, NM_001395657.1).
Identifiers: ClinVar variation 2992045 (VCV002992045.7), dbSNP rs754193459, ClinGen allele CA2497400.